The following is an entry in ClinVar:

ClinVar aggregate classification (germline): Conflicting classifications of pathogenicity. Review status: criteria provided, conflicting classifications (1 of 4 stars). 10 submissions from 9 submitters: Uncertain significance (1); Benign (4); Likely benign (3). 2 of the submissions do not count toward it. Last evaluated 2026-05-11.

Conditions:
Factor XIII, A subunit, deficiency of. Also called: Factor XIII subunit A deficiency. Identifiers: Orphanet 331, MedGen C2750514, MONDO:0013187, OMIM 613225, HP:0040233.
Myocardial infarction, protection against. Identifiers: MedGen C3277063.
Venous thrombosis, protection against. Identifiers: MedGen C2751120.

Allele frequency attached by ClinVar (database versions not stated): 1000 Genomes Project 0.14776; 1000 Genomes Project 30x 0.15225; gnomAD 0.21419 and 0.22002; TOPMed 0.21669.

Submissions (10):

Women's Health and Genetics/Laboratory Corporation of America, LabCorp
Classification: Likely benign. Last evaluated: 2026-05-11. Review status: criteria provided, single submitter. Criteria: LabCorp Variant Classification Summary - May 2015. Collection method: clinical testing. Allele origin: germline.

Genomic Medicine Center of Excellence, King Faisal Specialist Hospital and Research Centre
Classification: Likely benign for Myocardial infarction, protection against. Last evaluated: 2025-07-30. Review status: criteria provided, single submitter. Criteria: ACMG Guidelines, 2015. Collection method: clinical testing. Allele origin: germline.

Mayo Clinic Laboratories, Mayo Clinic
Classification: Benign. Last evaluated: 2025-03-11. Review status: criteria provided, single submitter. Criteria: ACMG Guidelines, 2015. Collection method: clinical testing. Allele origin: germline. Observed: 91 variant alleles.
Comment: BA1, BS2, BP4

Blueprint Genetics
Classification: Likely benign. Last evaluated: 2024-11-27. Review status: criteria provided, single submitter. Criteria: ACMG Guidelines, 2015. Collection method: clinical testing. Allele origin: germline.

GeneDx
Classification: Benign. Last evaluated: 2018-11-11. Review status: criteria provided, single submitter. Criteria: GeneDx Variant Classification Process June 2021. Collection method: clinical testing. Allele origin: germline. Affected: yes.
Comment: This variant is associated with the following publications: (PMID: 26035561, 25693916, 23314382, 27821352, 9459313, 22909824, 17568659, 9798996, 21800001, 19652888, 17899444, 19123042, 18808204, 22385348, 23677728, 9920838, 12456499, 24686102)

Illumina Laboratory Services, Illumina
Classification: Benign for Factor XIII, A subunit, deficiency of. Last evaluated: 2018-03-06. Review status: criteria provided, single submitter. Criteria: ICSL Variant Classification Criteria 13 December 2019. Collection method: clinical testing. Allele origin: germline.
Comment: This variant was observed in the ICSL laboratory as part of a predisposition screen in an ostensibly healthy population. It had not been previously curated by ICSL or reported in the Human Gene Mutation Database (HGMD: prior to June 1st, 2018), and was therefore a candidate for classification through an automated scoring system. Utilizing variant allele frequency, disease prevalence and penetrance estimates, and inheritance mode, an automated score was calculated to assess if this variant is too frequent to cause the disease. Based on the score and internal cut-off values, a variant classified as benign is not then subjected to further curation. The score for this variant resulted in a classification of benign for this disease.

CeGaT Center for Human Genetics Tuebingen
Classification: Uncertain significance. Last evaluated: 2016-10-01. Review status: criteria provided, single submitter. Criteria: CeGaT Center For Human Genetics Tuebingen Variant Classification Criteria Version 2. Collection method: clinical testing. Allele origin: germline. Affected: yes. Observed: 1 variant allele.

PreventionGenetics, part of Exact Sciences
Classification: Benign. Review status: criteria provided, single submitter. Criteria: ACMG Guidelines, 2015. Collection method: clinical testing. Allele origin: germline.

OMIM
Classification: protective for MYOCARDIAL INFARCTION, PROTECTION AGAINST. Last evaluated: 2007-04-01. Review status: no assertion criteria provided. Collection method: literature only. Allele origin: germline. Not counted in ClinVar's aggregate classification.

OMIM
Classification: protective for VENOUS THROMBOSIS, PROTECTION AGAINST. Last evaluated: 2007-04-01. Review status: no assertion criteria provided. Collection method: literature only. Allele origin: germline. Not counted in ClinVar's aggregate classification.

Literature cited by the submitters: PubMed 11057856 (cited by Mayo Clinic Laboratories, Mayo Clinic); PubMed 35969362 (cited by Mayo Clinic Laboratories, Mayo Clinic); PubMed 36369145 (cited by Mayo Clinic Laboratories, Mayo Clinic); PubMed 37832789 (cited by Mayo Clinic Laboratories, Mayo Clinic); PubMed 38332006 (cited by Mayo Clinic Laboratories, Mayo Clinic); PubMed 38540111 (cited by Mayo Clinic Laboratories, Mayo Clinic); PubMed 8025280 (cited by OMIM); PubMed 9459313 (cited by OMIM); PubMed 9550516 (cited by OMIM); PubMed 10365735 (cited by OMIM); PubMed 10910914 (cited by OMIM); PubMed 12072871 (cited by OMIM); PubMed 12456499 (cited by OMIM); PubMed 17393027 (cited by OMIM).

NM_000129.4(F13A1):c.103G>T (p.Val35Leu)

Gene: F13A1 (coagulation factor XIII A chain; minus strand). Cytogenetic location: 6p25.1.
Variant type: single nucleotide variant.
Coding change: c.103G>T on transcript NM_000129.4 (MANE Select); coding-DNA position 103, G replaced by T.
Protein change: p.Val35Leu; replaces valine 35 with leucine.
Molecular consequence: missense variant.
Genome position (GRCh38, 1-based): chr6:6,318,562, C>A on the plus strand (G>T on the coding strand, the complement: F13A1 is on the minus strand). VCF-style: chr6-6318562-C-A. GRCh37 (hg19) VCF-style: chr6-6318795-C-A.
Other names: F13A1, VAL34LEU; V34L; p.Val35Leu; short protein forms V35L.
Identifiers: ClinVar variation 16532 (VCV000016532.55), dbSNP rs5985, ClinGen allele CA126636.